The following is an entry in ClinVar:

ClinVar aggregate classification (germline): Uncertain significance (1 of 4 stars; one submission).

Conditions:
Brugada syndrome 8 (BRGDA8). Identifiers: Orphanet 130, MedGen C2751083, MONDO:0013148, OMIM 613123.

Allele frequency attached by ClinVar (database versions not stated): gnomAD exomes below 0.00001; TOPMed below 0.00001; ExAC 0.00001; gnomAD 0.00001; ESP Exome Variant Server 0.00008.
gnomAD v4.1: 5 of 1,613,304 alleles (0.00031%); highest among the groups gnomAD compares: Non-Finnish European, 0.00034%; no homozygotes.

Submission:

Labcorp Genetics (formerly Invitae), Labcorp
Classification: Uncertain significance for Brugada syndrome 8. Last evaluated: 2025-08-07. Review status: criteria provided, single submitter. Criteria: Invitae Variant Classification Sherloc (09022015). Collection method: clinical testing. Allele origin: germline.
Comment: This sequence change replaces methionine, which is neutral and non-polar, with valine, which is neutral and non-polar, at codon 221 of the HCN4 protein (p.Met221Val). This variant is present in population databases (rs371771170, gnomAD 0.0009%). This variant has not been reported in the literature in individuals affected with HCN4-related conditions. ClinVar contains an entry for this variant (Variation ID: 1044695). Invitae Evidence Modeling of protein sequence and biophysical properties (such as structural, functional, and spatial information, amino acid conservation, physicochemical variation, residue mobility, and thermodynamic stability) indicates that this missense variant is expected to disrupt HCN4 protein function with a positive predictive value of 95%. In summary, the available evidence is currently insufficient to determine the role of this variant in disease. Therefore, it has been classified as a Variant of Uncertain Significance.

NM_005477.3(HCN4):c.661A>G (p.Met221Val)

Gene: HCN4 (hyperpolarization activated cyclic nucleotide gated potassium channel 4; minus strand). Cytogenetic location: 15q24.1.
Variant type: single nucleotide variant.
Coding change: c.661A>G on transcript NM_005477.3 (MANE Select); coding-DNA position 661, A replaced by G.
Protein change: p.Met221Val; replaces methionine 221 with valine.
Molecular consequence: missense variant.
Genome position (GRCh38, 1-based): chr15:73,367,610, T>C on the plus strand (A>G on the coding strand, the complement: HCN4 is on the minus strand). VCF-style: chr15-73367610-T-C. GRCh37 (hg19) VCF-style: chr15-73659951-T-C.
Other names: short protein forms M221V.
Identifiers: ClinVar variation 1044695 (VCV001044695.8), dbSNP rs371771170, ClinGen allele CA7649442.